The following is an entry in ClinVar:

ClinVar aggregate classification (germline): Uncertain significance (1 of 4 stars; one submission).

Allele frequency attached by ClinVar (database versions not stated): gnomAD 0.00002; TOPMed 0.00003.
gnomAD v4.1: 11 of 1,612,968 alleles (0.00068%); highest among the groups gnomAD compares: Admixed American, 0.012%; no homozygotes.

Submission:

Labcorp Genetics (formerly Invitae), Labcorp
Classification: Uncertain significance. Last evaluated: 2021-08-24. Review status: criteria provided, single submitter. Criteria: Invitae Variant Classification Sherloc (09022015). Collection method: clinical testing. Allele origin: germline.
Comment: This variant is present in population databases (rs755081490, ExAC 0.009%). This variant has not been reported in the literature in individuals with TUBGCP6-related conditions. Algorithms developed to predict the effect of missense changes on protein structure and function are either unavailable or do not agree on the potential impact of this missense change (SIFT: "Tolerated"; PolyPhen-2: "Probably Damaging"; Align-GVGD: "Class C0"). In summary, the available evidence is currently insufficient to determine the role of this variant in disease. Therefore, it has been classified as a Variant of Uncertain Significance. This sequence change replaces glutamic acid with lysine at codon 1672 of the TUBGCP6 protein (p.Glu1672Lys). The glutamic acid residue is moderately conserved and there is a small physicochemical difference between glutamic acid and lysine.

NM_020461.4(TUBGCP6):c.5014G>A (p.Glu1672Lys)

Gene: TUBGCP6 (tubulin gamma complex component 6; minus strand). Cytogenetic location: 22q13.33.
Variant type: single nucleotide variant.
Coding change: c.5014G>A on transcript NM_020461.4 (MANE Select); coding-DNA position 5014, G replaced by A.
Protein change: p.Glu1672Lys; replaces glutamic acid 1672 with lysine.
Molecular consequence: missense variant.
Genome position (GRCh38, 1-based): chr22:50,218,343, C>T on the plus strand (G>A on the coding strand, the complement: TUBGCP6 is on the minus strand). VCF-style: chr22-50218343-C-T. GRCh37 (hg19) VCF-style: chr22-50656772-C-T.
Other names: short protein forms E1672K.
Identifiers: ClinVar variation 1372184 (VCV001372184.7), dbSNP rs755081490, ClinGen allele CA10307203.